The following is an entry in ClinVar:

ClinVar aggregate classification (germline): Likely benign (1 of 4 stars; one submission).

Conditions:
Cataract 18 (CATC2). Also called: CATARACT 18, AUTOSOMAL RECESSIVE. Identifiers: Orphanet 91492, Orphanet 98991, Orphanet 98992, Orphanet 98995, MedGen C1864908, MONDO:0012395, OMIM 610019.

Allele frequency attached by ClinVar (database versions not stated): 1000 Genomes Project 0.00060; 1000 Genomes Project 30x 0.00078; TOPMed 0.00111.

Submission:

Illumina Laboratory Services, Illumina
Classification: Likely benign for Cataract 18. Last evaluated: 2018-01-12. Review status: criteria provided, single submitter. Criteria: ICSL Variant Classification Criteria 13 December 2019. Collection method: clinical testing. Allele origin: germline.
Comment: This variant was observed in the ICSL laboratory as part of a predisposition screen in an ostensibly healthy population. It had not been previously curated by ICSL or reported in the Human Gene Mutation Database (HGMD: prior to June 1st, 2018), and was therefore a candidate for classification through an automated scoring system. Utilizing variant allele frequency, disease prevalence and penetrance estimates, and inheritance mode, an automated score was calculated to assess if this variant is too frequent to cause the disease. Based on the score and internal cut-off values, a variant classified as likely benign is not then subjected to further curation. The score for this variant resulted in a classification of likely benign for this disease.

NM_024513.4(FYCO1):c.*2238C>A

Gene: FYCO1 (FYVE and coiled-coil domain autophagy adaptor 1; minus strand). Cytogenetic location: 3p21.31.
Variant type: single nucleotide variant.
Coding change: c.*2238C>A on transcript NM_024513.4 (MANE Select); 2238 bases downstream of the stop codon, C replaced by A.
Molecular consequence: 3 prime UTR variant.
Genome position (GRCh38, 1-based): chr3:45,919,527, G>T on the plus strand (C>A on the coding strand, the complement: FYCO1 is on the minus strand). VCF-style: chr3-45919527-G-T. GRCh37 (hg19) VCF-style: chr3-45961019-G-T.
Identifiers: ClinVar variation 901683 (VCV000901683.4), dbSNP rs144987706, ClinGen allele CA73642433.